The following is an entry in ClinVar:

ClinVar aggregate classification (germline): Uncertain significance. Review status: criteria provided, multiple submitters, no conflicts (2 of 4 stars). 2 submissions from 2 submitters: Uncertain significance (2). Last evaluated 2023-02-15.

Conditions:
Hypertrophic cardiomyopathy. Also called: HYPERTROPHIC MYOCARDIOPATHY. Identifiers: Orphanet 217569, MedGen C0007194, MeSH D002312, MONDO:0005045, HP:0001639.

Submissions (2):

All of Us Research Program, National Institutes of Health
Classification: Uncertain significance for Hypertrophic cardiomyopathy. Last evaluated: 2023-02-15. Review status: criteria provided, single submitter. Criteria: ACMG Guidelines, 2015. Collection method: clinical testing. Allele origin: germline. Inheritance: Autosomal dominant inheritance. Observed: 1 variant allele, 1 heterozygote.
Comment: This missense variant replaces lysine with glutamic acid at codon 1242 of the MYBPC3 protein. Computational prediction is inconclusive regarding the impact of this variant on protein structure and function (internally defined REVEL score threshold 0.5 < inconclusive < 0.7, PMID: 27666373). To our knowledge, functional studies have not been reported for this variant. This variant has not been reported in individuals affected with cardiovascular disorders in the literature. This variant has not been identified in the general population by the Genome Aggregation Database (gnomAD). The available evidence is insufficient to determine the role of this variant in disease conclusively. Therefore, this variant is classified as a Variant of Uncertain Significance.

This study involves interpretation of variants in research participants for the purpose of population health screening. Participant phenotype was not available at the time of variant classification. Additional details can be found in publication PMID: 35346344, PMCID: PMC8962531

Labcorp Genetics (formerly Invitae), Labcorp
Classification: Uncertain significance for Hypertrophic cardiomyopathy. Last evaluated: 2019-02-04. Review status: criteria provided, single submitter. Criteria: Invitae Variant Classification Sherloc (09022015). Collection method: clinical testing. Allele origin: germline.
Comment: This variant is not present in population databases (ExAC no frequency). In summary, the available evidence is currently insufficient to determine the role of this variant in disease. Therefore, it has been classified as a Variant of Uncertain Significance. Algorithms developed to predict the effect of missense changes on protein structure and function (SIFT, PolyPhen-2, Align-GVGD) all suggest that this variant is likely to be disruptive, but these predictions have not been confirmed by published functional studies and their clinical significance is uncertain. This variant has not been reported in the literature in individuals with MYBPC3-related conditions. This sequence change replaces lysine with glutamic acid at codon 1242 of the MYBPC3 protein (p.Lys1242Glu). The lysine residue is highly conserved and there is a small physicochemical difference between lysine and glutamic acid.

NM_000256.3(MYBPC3):c.3724A>G (p.Lys1242Glu)

Gene: MYBPC3 (myosin binding protein C3; minus strand). Cytogenetic location: 11p11.2.
Variant type: single nucleotide variant.
Coding change: c.3724A>G on transcript NM_000256.3 (MANE Select); coding-DNA position 3724, A replaced by G.
Protein change: p.Lys1242Glu; replaces lysine 1242 with glutamic acid.
Molecular consequence: missense variant.
Genome position (GRCh38, 1-based): chr11:47,332,162, T>C on the plus strand (A>G on the coding strand, the complement: MYBPC3 is on the minus strand). VCF-style: chr11-47332162-T-C. GRCh37 (hg19) VCF-style: chr11-47353713-T-C.
Other names: short protein forms K1242E.
Identifiers: ClinVar variation 841320 (VCV000841320.10), dbSNP rs1030727866, ClinGen allele CA221681792.